The following is an entry in ClinVar:

ClinVar aggregate classification (germline): Pathogenic (1 of 4 stars; one submission).

Conditions:
Pyruvate carboxylase deficiency. Also called: ATAXIA WITH LACTIC ACIDOSIS II; LEIGH NECROTIZING ENCEPHALOPATHY DUE TO PYRUVATE CARBOXYLASE DEFICIENCY; LEIGH SYNDROME DUE TO PYRUVATE CARBOXYLASE DEFICIENCY; PC DEFICIENCY; Pyruvate Carboxylase Deficiency Disease. Identifiers: Orphanet 3008, MedGen C0034341, MONDO:0009949, OMIM 266150.

Submission:

Myriad Genetics, Inc.
Classification: Pathogenic for Pyruvate carboxylase deficiency. Last evaluated: 2023-09-27. Review status: criteria provided, single submitter. Criteria: Myriad Autosomal Dominant, Autosomal Recessive and X-Linked Classification Criteria (2023). Collection method: clinical testing. Allele origin: unknown.
Comment: NM_000920.3(PC):c.163dupG(A55Gfs*15) is expected to be pathogenic in the context of pyruvate carboxylase deficiency. This variant is predicted to lead to an abnormal or absent protein product due to the creation of a premature termination codon in PC, a gene where loss-of-function variants are known to be pathogenic. Please note: this variant was assessed in the context of healthy population screening.

NM_001040716.2(PC):c.163dup (p.Ala55fs)

Gene: PC (pyruvate carboxylase; minus strand). Cytogenetic location: 11q13.2.
Variant type: Duplication.
Coding change: c.163dup on transcript NM_001040716.2 (MANE Select); coding-DNA position 163, one base duplicated (G; older notation c.163dupG).
Protein change: p.Ala55fs; shifts the reading frame from alanine 55.
Molecular consequence: frameshift variant.
Genome position (GRCh38, 1-based): chr11:66,871,845, C duplicated on the plus strand (G on the coding strand, the reverse complement: PC is on the minus strand); the first of 3 consecutive C bases (chr11:66,871,845-66,871,847); duplicating any one gives the same sequence. VCF-style (leftmost placement, unchanged base first): chr11-66871844-G-GC. GRCh37 (hg19) VCF-style: chr11-66639315-G-GC.
Other names: c.163dup, p.Ala55fs (NM_000920.4, NM_001439352.1, NM_001439353.1 and 5 more transcripts); short protein forms A55fs.
Identifiers: ClinVar variation 5012184 (VCV005012184.1).